The following is an entry in ClinVar:

ClinVar aggregate classification (germline): Pathogenic (1 of 4 stars; one submission).

Submission:

Labcorp Genetics (formerly Invitae), Labcorp
Classification: Pathogenic. Last evaluated: 2025-09-09. Review status: criteria provided, single submitter. Criteria: Invitae Variant Classification Sherloc (09022015). Collection method: clinical testing. Allele origin: germline.
Comment: This sequence change creates a premature translational stop signal (p.Arg162Leufs*26) in the PLOD3 gene. It is expected to result in an absent or disrupted protein product. Loss-of-function variants in PLOD3 are known to be pathogenic (PMID: 30237576). This variant is not present in population databases (gnomAD no frequency). This variant has not been reported in the literature in individuals affected with PLOD3-related conditions. Algorithms developed to predict the effect of sequence changes on RNA splicing suggest that this variant may disrupt the consensus splice site. For these reasons, this variant has been classified as Pathogenic.

Literature cited by the submitters: PubMed 30237576.

NM_001084.5(PLOD3):c.485_486del (p.Arg162fs)

Gene: PLOD3 (procollagen-lysine,2-oxoglutarate 5-dioxygenase 3; minus strand). Cytogenetic location: 7q22.1.
Variant type: Microsatellite.
Coding change: c.485_486del on transcript NM_001084.5 (MANE Select); coding-DNA positions 485 to 486, 2 bases deleted (GC; older notation c.485_486delGC).
Protein change: p.Arg162fs; shifts the reading frame from arginine 162.
Molecular consequence: frameshift variant.
Genome position (GRCh38, 1-based): chr7:101,216,179-101,216,180, GC deleted on the plus strand (GC on the coding strand, the reverse complement: PLOD3 is on the minus strand); deleting any 2 consecutive bases within chr7:101,216,179-101,216,182 gives the same sequence; the c. name uses the placement nearest the transcript's 3' end. VCF-style (leftmost placement, unchanged base first): chr7-101216178-AGC-A. GRCh37 (hg19) VCF-style: chr7-100859459-AGC-A.
Other names: short protein forms R162fs.
Identifiers: ClinVar variation 4704492 (VCV004704492.1).